The following is an entry in ClinVar:

ClinVar aggregate classification (germline): Uncertain significance. Review status: criteria provided, multiple submitters, no conflicts (2 of 4 stars). 2 submissions from 2 submitters: Uncertain significance (2). Last evaluated 2023-02-04.

Conditions:
Colorectal cancer, hereditary nonpolyposis, type 7. Identifiers: Orphanet 144, MedGen C1858380, MONDO:0013725, OMIM 614385.

Submissions (2):

Labcorp Genetics (formerly Invitae), Labcorp
Classification: Uncertain significance for Colorectal cancer, hereditary nonpolyposis, type 7. Last evaluated: 2023-02-04. Review status: criteria provided, single submitter. Criteria: Invitae Variant Classification Sherloc (09022015). Collection method: clinical testing. Allele origin: germline.
Comment: This sequence change replaces aspartic acid, which is acidic and polar, with valine, which is neutral and non-polar, at codon 815 of the MLH3 protein (p.Asp815Val). This variant is not present in population databases (gnomAD no frequency). This variant has not been reported in the literature in individuals affected with MLH3-related conditions. ClinVar contains an entry for this variant (Variation ID: 1791367). Algorithms developed to predict the effect of missense changes on protein structure and function are either unavailable or do not agree on the potential impact of this missense change (SIFT: "Deleterious"; PolyPhen-2: "Benign"; Align-GVGD: "Class C0"). In summary, the available evidence is currently insufficient to determine the role of this variant in disease. Therefore, it has been classified as a Variant of Uncertain Significance.

Ambry Genetics
Classification: Uncertain significance. Last evaluated: 2022-02-08. Review status: criteria provided, single submitter. Criteria: Ambry Variant Classification Scheme 2023. Collection method: clinical testing. Allele origin: germline.
Comment: The p.D815V variant (also known as c.2444A>T), located in coding exon 1 of the MLH3 gene, results from an A to T substitution at nucleotide position 2444. The aspartic acid at codon 815 is replaced by valine, an amino acid with highly dissimilar properties. This amino acid position is conserved. In addition, this alteration is predicted to be tolerated by in silico analysis. Since supporting evidence is limited at this time, the clinical significance of this alteration remains unclear.

NM_001040108.2(MLH3):c.2444A>T (p.Asp815Val)

Gene: MLH3 (mutL homolog 3; minus strand). Cytogenetic location: 14q24.3.
Variant type: single nucleotide variant.
Coding change: c.2444A>T on transcript NM_001040108.2 (MANE Select); coding-DNA position 2444, A replaced by T.
Protein change: p.Asp815Val; replaces aspartic acid 815 with valine.
Molecular consequence: missense variant.
Genome position (GRCh38, 1-based): chr14:75,047,212, T>A on the plus strand (A>T on the coding strand, the complement: MLH3 is on the minus strand). VCF-style: chr14-75047212-T-A. GRCh37 (hg19) VCF-style: chr14-75513915-T-A.
Other names: c.2444A>T, p.Asp815Val (NM_014381.3); short protein forms D815V.
Identifiers: ClinVar variation 1791367 (VCV001791367.5), dbSNP rs757328325, ClinGen allele CA390440452.